The following is an entry in ClinVar:

NM_015295.3(SMCHD1):c.3659G>A (p.Arg1220Lys)

Gene: SMCHD1 (structural maintenance of chromosomes flexible hinge domain containing 1; plus strand). Cytogenetic location: 18p11.32.
Variant type: single nucleotide variant.
Coding change: c.3659G>A on transcript NM_015295.3 (MANE Select); coding-DNA position 3659, G replaced by A.
Protein change: p.Arg1220Lys; replaces arginine 1220 with lysine.
Molecular consequence: missense variant.
Genome position (GRCh38, 1-based): chr18:2,743,786, G>A. VCF-style: chr18-2743786-G-A. GRCh37 (hg19) VCF-style: chr18-2743784-G-A.
Other names: short protein forms R1220K.
Identifiers: ClinVar variation 2166375 (VCV002166375.4), dbSNP rs1208221749, ClinGen allele CA401689448.

ClinVar aggregate classification (germline): Uncertain significance (1 of 4 stars; one submission).

Conditions:
Facioscapulohumeral muscular dystrophy 2 (FSHD2). Also called: FACIOSCAPULOHUMERAL MUSCULAR DYSTROPHY 2, DIGENIC; FSHD2, DIGENIC; MUSCULAR DYSTROPHY, FACIOSCAPULOHUMERAL, TYPE 1B. Identifiers: Orphanet 269, MedGen C1834671, MONDO:0008031, OMIM 158901.

Allele frequency attached by ClinVar (database versions not stated): gnomAD exomes below 0.00001; TOPMed below 0.00001; gnomAD 0.00001.
gnomAD v4.1: 3 of 1,612,696 alleles (0.00019%); highest among the groups gnomAD compares: Non-Finnish European, 0.00025%; no homozygotes.

Submission:

Labcorp Genetics (formerly Invitae), Labcorp
Classification: Uncertain significance for Facioscapulohumeral muscular dystrophy 2. Last evaluated: 2022-03-13. Review status: criteria provided, single submitter. Criteria: Invitae Variant Classification Sherloc (09022015). Collection method: clinical testing. Allele origin: germline.
Comment: This sequence change replaces arginine, which is basic and polar, with lysine, which is basic and polar, at codon 1220 of the SMCHD1 protein (p.Arg1220Lys). This variant is present in population databases (no rsID available, gnomAD 0.0009%). This variant has not been reported in the literature in individuals affected with SMCHD1-related conditions. Algorithms developed to predict the effect of missense changes on protein structure and function output the following: SIFT: "Tolerated"; PolyPhen-2: "Benign"; Align-GVGD: "Class C0". The lysine amino acid residue is found in multiple mammalian species, which suggests that this missense change does not adversely affect protein function. In summary, the available evidence is currently insufficient to determine the role of this variant in disease. Therefore, it has been classified as a Variant of Uncertain Significance.